The following is an entry in ClinVar:

ClinVar aggregate classification (germline): Uncertain significance. Review status: criteria provided, multiple submitters, no conflicts (2 of 4 stars). 3 submissions from 3 submitters: Uncertain significance (3). Last evaluated 2025-11-10.

Conditions:
Hereditary nonpolyposis colorectal neoplasms. Identifiers: MedGen C0009405, MeSH D003123.
Hereditary cancer-predisposing syndrome. Also called: Hereditary neoplastic syndrome; Neoplastic Syndromes, Hereditary; Hereditary Cancer Syndrome; Tumor predisposition. Identifiers: Orphanet 140162, MedGen C0027672, MeSH D009386, MONDO:0015356.

Submissions (3):

Labcorp Genetics (formerly Invitae), Labcorp
Classification: Uncertain significance for Hereditary nonpolyposis colorectal neoplasms. Last evaluated: 2025-11-10. Review status: criteria provided, single submitter. Criteria: Invitae Variant Classification Sherloc (09022015). Collection method: clinical testing. Allele origin: germline.
Comment: This sequence change replaces histidine, which is basic and polar, with tyrosine, which is neutral and polar, at codon 1096 of the MSH6 protein (p.His1096Tyr). This variant is not present in population databases (gnomAD no frequency). This variant has not been reported in the literature in individuals affected with MSH6-related conditions. ClinVar contains an entry for this variant (Variation ID: 493276). Invitae Evidence Modeling of protein sequence and biophysical properties (such as structural, functional, and spatial information, amino acid conservation, physicochemical variation, residue mobility, and thermodynamic stability) indicates that this missense variant is expected to disrupt MSH6 protein function with a positive predictive value of 95%. In summary, the available evidence is currently insufficient to determine the role of this variant in disease. Therefore, it has been classified as a Variant of Uncertain Significance.

Ambry Genetics
Classification: Uncertain significance for Hereditary cancer-predisposing syndrome. Last evaluated: 2024-01-11. Review status: criteria provided, single submitter. Criteria: Ambry Variant Classification Scheme 2023. Collection method: clinical testing. Allele origin: germline.
Comment: The p.H1096Y variant (also known as c.3286C>T), located in coding exon 5 of the MSH6 gene, results from a C to T substitution at nucleotide position 3286. The histidine at codon 1096 is replaced by tyrosine, an amino acid with similar properties. This variant was identified in a patient with a personal history of colorectal cancer, breast cancer, renal cell cancer, and melanoma as well as a family history of two daughters with early-onset melanoma, one of whom also carried this variant (Morak M et al. Eur J Hum Genet, 2019 Dec;27:1808-1820). This amino acid position is highly conserved in available vertebrate species. In addition, this alteration is predicted to be deleterious by in silico analysis. Since supporting evidence is limited at this time, the clinical significance of this alteration remains unclear.

CeGaT Center for Human Genetics Tuebingen
Classification: Uncertain significance. Last evaluated: 2017-09-01. Review status: criteria provided, single submitter. Criteria: CeGaT Center For Human Genetics Tuebingen Variant Classification Criteria Version 2. Collection method: clinical testing. Allele origin: germline. Affected: yes. Observed: 1 variant allele.

Literature cited by the submitters: PubMed 31332305 (cited by Ambry Genetics).

NM_000179.3(MSH6):c.3286C>T (p.His1096Tyr)

Gene: MSH6 (mutS homolog 6; plus strand). Cytogenetic location: 2p16.3.
Variant type: single nucleotide variant.
Coding change: c.3286C>T on transcript NM_000179.3 (MANE Select); coding-DNA position 3286, C replaced by T.
Protein change: p.His1096Tyr; replaces histidine 1096 with tyrosine.
Molecular consequence: missense variant.
Genome position (GRCh38, 1-based): chr2:47,803,533, C>T. VCF-style: chr2-47803533-C-T. GRCh37 (hg19) VCF-style: chr2-48030672-C-T.
Other names: c.2896C>T, p.His966Tyr (NM_001281492.2); c.2380C>T, p.His794Tyr (NM_001281493.2, NM_001281494.2); short protein forms H1096Y, H966Y, H794Y.
Identifiers: ClinVar variation 493276 (VCV000493276.52), dbSNP rs1553331471, ClinGen allele CA346758382.